The following is an entry in ClinVar:

ClinVar aggregate classification (germline): Uncertain significance (1 of 4 stars; one submission).

Allele frequency attached by ClinVar (database versions not stated): gnomAD exomes 0.00001.

Submission:

Labcorp Genetics (formerly Invitae), Labcorp
Classification: Uncertain significance. Last evaluated: 2022-03-31. Review status: criteria provided, single submitter. Criteria: Invitae Variant Classification Sherloc (09022015). Collection method: clinical testing. Allele origin: germline.
Comment: ClinVar contains an entry for this variant (Variation ID: 1035346). In summary, the available evidence is currently insufficient to determine the role of this variant in disease. Therefore, it has been classified as a Variant of Uncertain Significance. Algorithms developed to predict the effect of missense changes on protein structure and function are either unavailable or do not agree on the potential impact of this missense change (SIFT: "Tolerated"; PolyPhen-2: "Probably Damaging"; Align-GVGD: "Class C0"). This variant has not been reported in the literature in individuals affected with MMP13-related conditions. This variant is present in population databases (rs782615439, gnomAD 0.009%). This sequence change replaces aspartic acid, which is acidic and polar, with glutamic acid, which is acidic and polar, at codon 335 of the MMP13 protein (p.Asp335Glu).

NM_002427.4(MMP13):c.1005T>G (p.Asp335Glu)

Gene: MMP13 (matrix metallopeptidase 13; minus strand). Cytogenetic location: 11q22.2.
Variant type: single nucleotide variant.
Coding change: c.1005T>G on transcript NM_002427.4 (MANE Select); coding-DNA position 1005, T replaced by G.
Protein change: p.Asp335Glu; replaces aspartic acid 335 with glutamic acid.
Molecular consequence: missense variant.
Genome position (GRCh38, 1-based): chr11:102,949,071, A>C on the plus strand (T>G on the coding strand, the complement: MMP13 is on the minus strand). VCF-style: chr11-102949071-A-C. GRCh37 (hg19) VCF-style: chr11-102819800-A-C.
Other names: short protein forms D335E.
Identifiers: ClinVar variation 1035346 (VCV001035346.8), dbSNP rs782615439, ClinGen allele CA6251817.
Genomic context (GRCh38, chr11:102,949,071, plus strand): 5'-TGTGGAAAGCTTACCTCTGAAGATGAAGATGAGGTCATGAGAAGGGTGCTCATATGCAGC[A>C]TCAATACGGTTGGGAAGTTCTGGCCAAAATGATTTCGTTAAAAACAGCTCCGCATCAACC-3'
Protein context (NP_002418.1, residues 325-345): SFWPELPNRI[Asp335Glu]AAYEHPSHDL